The following is an entry in ClinVar:

ClinVar aggregate classification (germline): Uncertain significance. Review status: criteria provided, multiple submitters, no conflicts (2 of 4 stars). 2 submissions from 2 submitters: Uncertain significance (2). Last evaluated 2025-03-07.

Allele frequency attached by ClinVar (database versions not stated): ExAC 0.00001; gnomAD 0.00001; gnomAD exomes 0.00001; TOPMed 0.00001.
gnomAD v4.1: 22 of 1,614,010 alleles (0.0014%); highest among the groups gnomAD compares: Non-Finnish European, 0.0018%; no homozygotes.

Submissions (2):

Labcorp Genetics (formerly Invitae), Labcorp
Classification: Uncertain significance. Last evaluated: 2025-03-07. Review status: criteria provided, single submitter. Criteria: Invitae Variant Classification Sherloc (09022015). Collection method: clinical testing. Allele origin: germline.
Comment: This sequence change replaces isoleucine, which is neutral and non-polar, with valine, which is neutral and non-polar, at codon 405 of the CAPN5 protein (p.Ile405Val). This variant is present in population databases (rs782677539, gnomAD 0.0009%). This variant has not been reported in the literature in individuals affected with CAPN5-related conditions. ClinVar contains an entry for this variant (Variation ID: 1061529). Invitae Evidence Modeling of protein sequence and biophysical properties (such as structural, functional, and spatial information, amino acid conservation, physicochemical variation, residue mobility, and thermodynamic stability) indicates that this missense variant is not expected to disrupt CAPN5 protein function with a negative predictive value of 80%. In summary, the available evidence is currently insufficient to determine the role of this variant in disease. Therefore, it has been classified as a Variant of Uncertain Significance.

Blueprint Genetics
Classification: Uncertain significance. Last evaluated: 2021-06-15. Review status: criteria provided, single submitter. Criteria: ACMG Guidelines, 2015. Collection method: clinical testing. Allele origin: germline.

NM_004055.5(CAPN5):c.1213A>G (p.Ile405Val)

Gene: CAPN5 (calpain 5; plus strand). Cytogenetic location: 11q13.5.
Variant type: single nucleotide variant.
Coding change: c.1213A>G on transcript NM_004055.5 (MANE Select); coding-DNA position 1213, A replaced by G.
Protein change: p.Ile405Val; replaces isoleucine 405 with valine.
Molecular consequence: missense variant.
Genome position (GRCh38, 1-based): chr11:77,119,075, A>G. VCF-style: chr11-77119075-A-G. GRCh37 (hg19) VCF-style: chr11-76830121-A-G.
Other names: short protein forms I405V.
Identifiers: ClinVar variation 1061529 (VCV001061529.10), dbSNP rs782677539, ClinGen allele CA6196726.